The following is an entry in ClinVar:

NM_001127198.5(TMC6):c.1939C>T (p.His647Tyr)

Gene: TMC6 (transmembrane channel like 6; minus strand). Cytogenetic location: 17q25.3.
Variant type: single nucleotide variant.
Coding change: c.1939C>T on transcript NM_001127198.5 (MANE Select); coding-DNA position 1939, C replaced by T.
Protein change: p.His647Tyr; replaces histidine 647 with tyrosine.
Molecular consequence: missense variant. On other transcripts: non-coding transcript variant (4).
Genome position (GRCh38, 1-based): chr17:78,117,884, G>A on the plus strand (C>T on the coding strand, the complement: TMC6 is on the minus strand). VCF-style: chr17-78117884-G-A. GRCh37 (hg19) VCF-style: chr17-76113965-G-A.
Other names: c.1939C>T (NM_007267.6); c.1939C>T, p.His647Tyr (NM_001321185.1, NM_001374596.1, NM_001375353.1 and 2 more transcripts); c.1759C>T, p.His587Tyr (NM_001374593.1, NM_001374594.1); short protein forms H587Y, H647Y.
Identifiers: ClinVar variation 1468053 (VCV001468053.9), dbSNP rs978974955, ClinGen allele CA294343280.
Genomic context (GRCh38, chr17:78,117,884, plus strand): 5'-AGACAGCGGCGCCCAGGAAGGCGGGGAAGCAGAGCAGCGTGAGGAAGACGGTGCTCATGT[G>A]TGAGGCCAGCCAGGGCCGGCGCGGCGCCTGGCAGTTGGCCAGAAGGCTGGTCTGTGGGGA-3'
Protein context (NP_001120670.1, residues 637-657): QAPRRPWLAS[His647Tyr]MSTVFLTLLC

ClinVar aggregate classification (germline): Uncertain significance. Review status: criteria provided, multiple submitters, no conflicts (2 of 4 stars). 2 submissions from 2 submitters: Uncertain significance (2). Last evaluated 2025-06-10.

Conditions:
Epidermodysplasia verruciformis. Identifiers: Orphanet 302, MedGen C0014522, MONDO:0009176.
Inborn genetic diseases. Identifiers: MedGen C0950123, MeSH D030342.

Allele frequency attached by ClinVar (database versions not stated): TOPMed below 0.00001; gnomAD 0.00001; gnomAD exomes 0.00001.
gnomAD v4.1: 3 of 1,607,124 alleles (0.00019%); highest among the groups gnomAD compares: African/African-American, 0.0013%; no homozygotes.

Submissions (2):

Ambry Genetics
Classification: Uncertain significance for Inborn genetic diseases. Last evaluated: 2025-06-10. Review status: criteria provided, single submitter. Criteria: Ambry Variant Classification Scheme 2023. Collection method: clinical testing. Allele origin: germline.

Labcorp Genetics (formerly Invitae), Labcorp
Classification: Uncertain significance for Epidermodysplasia verruciformis. Last evaluated: 2022-02-25. Review status: criteria provided, single submitter. Criteria: Invitae Variant Classification Sherloc (09022015). Collection method: clinical testing. Allele origin: germline.
Comment: In summary, the available evidence is currently insufficient to determine the role of this variant in disease. Therefore, it has been classified as a Variant of Uncertain Significance. Algorithms developed to predict the effect of missense changes on protein structure and function are either unavailable or do not agree on the potential impact of this missense change (SIFT: "Not Available"; PolyPhen-2: "Possibly Damaging"; Align-GVGD: "Not Available"). This variant has not been reported in the literature in individuals affected with TMC6-related conditions. The frequency data for this variant in the population databases is considered unreliable, as metrics indicate poor data quality at this position in the gnomAD database. This sequence change replaces histidine, which is basic and polar, with tyrosine, which is neutral and polar, at codon 647 of the TMC6 protein (p.His647Tyr).